The following is an entry in ClinVar:

NM_133433.4(NIPBL):c.1927A>G (p.Lys643Glu)

Gene: NIPBL (NIPBL cohesin loading factor; plus strand). Cytogenetic location: 5p13.2.
Variant type: single nucleotide variant.
Coding change: c.1927A>G on transcript NM_133433.4 (MANE Select); coding-DNA position 1927, A replaced by G.
Protein change: p.Lys643Glu; replaces lysine 643 with glutamic acid.
Molecular consequence: missense variant.
Genome position (GRCh38, 1-based): chr5:36,985,107, A>G. VCF-style: chr5-36985107-A-G. GRCh37 (hg19) VCF-style: chr5-36985209-A-G.
Other names: c.1927A>G, p.Lys643Glu (NM_015384.5); short protein forms K643E.
Identifiers: ClinVar variation 2726897 (VCV002726897.3), dbSNP rs900302837, ClinGen allele CA117043780.

ClinVar aggregate classification (germline): Uncertain significance (1 of 4 stars; one submission).

Conditions:
Cornelia de Lange syndrome 1 (CDLS1). Also called: Brachmann de Lange syndrome; NIPBL-Related Cornelia de Lange Syndrome; TYPUS DEGENERATIVUS AMSTELODAMENSIS. Identifiers: Orphanet 199, MedGen C4551851, MONDO:0007387, OMIM 122470.

Allele frequency attached by ClinVar (database versions not stated): gnomAD exomes below 0.00001; gnomAD 0.00005; TOPMed 0.00007.
gnomAD v4.1: 12 of 1,613,772 alleles (0.00074%); highest among the groups gnomAD compares: Admixed American, 0.017%; no homozygotes.

Submission:

Labcorp Genetics (formerly Invitae), Labcorp
Classification: Uncertain significance for Cornelia de Lange syndrome 1. Last evaluated: 2025-11-14. Review status: criteria provided, single submitter. Criteria: Invitae Variant Classification Sherloc (09022015). Collection method: clinical testing. Allele origin: germline.
Comment: This sequence change replaces lysine, which is basic and polar, with glutamic acid, which is acidic and polar, at codon 643 of the NIPBL protein (p.Lys643Glu). This variant is present in population databases (no rsID available, gnomAD 0.003%). This variant has not been reported in the literature in individuals affected with NIPBL-related conditions. ClinVar contains an entry for this variant (Variation ID: 2726897). Invitae Evidence Modeling of protein sequence and biophysical properties (such as structural, functional, and spatial information, amino acid conservation, physicochemical variation, residue mobility, and thermodynamic stability) indicates that this missense variant is not expected to disrupt NIPBL protein function with a negative predictive value of 95%. In summary, the available evidence is currently insufficient to determine the role of this variant in disease. Therefore, it has been classified as a Variant of Uncertain Significance.